The following is an entry in ClinVar:

ClinVar aggregate classification (germline): Benign/Likely benign. Review status: criteria provided, multiple submitters, no conflicts (2 of 4 stars). 2 submissions from 2 submitters: Benign (1); Likely benign (1). Last evaluated 2026-09-22.

Conditions:
Colorectal cancer, hereditary nonpolyposis, type 7. Identifiers: Orphanet 144, MedGen C1858380, MONDO:0013725, OMIM 614385.

Submissions (2):

Myriad Genetics, Inc.
Classification: Benign for Colorectal cancer, hereditary nonpolyposis, type 7. Last evaluated: 2026-09-22. Review status: criteria provided, single submitter. Criteria: Myriad Autosomal Dominant, Autosomal Recessive and X-Linked Classification Criteria (2023). Collection method: clinical testing. Allele origin: unknown.
Comment: This variant is considered benign. This variant is a silent/synonymous amino acid change and it is not expected to impact splicing.

Ambry Genetics
Classification: Likely benign. Last evaluated: 2022-02-24. Review status: criteria provided, single submitter. Criteria: Ambry Variant Classification Scheme 2023. Collection method: clinical testing. Allele origin: germline.

NM_001040108.2(MLH3):c.1167T>C (p.Asn389=)

Gene: MLH3 (mutL homolog 3; minus strand). Cytogenetic location: 14q24.3.
Variant type: single nucleotide variant.
Coding change: c.1167T>C on transcript NM_001040108.2 (MANE Select); coding-DNA position 1167, T replaced by C.
Protein change: p.Asn389=; no amino-acid change (asparagine 389 retained).
Molecular consequence: synonymous variant.
Genome position (GRCh38, 1-based): chr14:75,048,489, A>G on the plus strand (T>C on the coding strand, the complement: MLH3 is on the minus strand). VCF-style: chr14-75048489-A-G. GRCh37 (hg19) VCF-style: chr14-75515192-A-G.
Other names: c.1167T>C, p.Asn389= (NM_014381.3).
Identifiers: ClinVar variation 1738563 (VCV001738563.3), dbSNP rs924208880, ClinGen allele CA263653254.